The following is an entry in ClinVar:

ClinVar aggregate classification (germline): Uncertain significance (1 of 4 stars; one submission).

Allele frequency attached by ClinVar (database versions not stated): 1000 Genomes Project 30x 0.00016.
gnomAD v4.1: 24 of 1,610,038 alleles (0.0015%); highest among the groups gnomAD compares: East Asian, 0.027%; no homozygotes.

Submission:

GeneDx
Classification: Uncertain significance. Last evaluated: 2023-02-13. Review status: criteria provided, single submitter. Criteria: GeneDx Variant Classification Process June 2021. Collection method: clinical testing. Allele origin: germline. Affected: yes.
Comment: In silico analysis supports that this missense variant does not alter protein structure/function; Has not been previously published as pathogenic or benign to our knowledge

NM_001199799.2(ILDR1):c.791C>T (p.Pro264Leu)

Gene: ILDR1 (immunoglobulin like domain containing receptor 1; minus strand). Cytogenetic location: 3q13.33.
Variant type: single nucleotide variant.
Coding change: c.791C>T on transcript NM_001199799.2 (MANE Select); coding-DNA position 791, C replaced by T.
Protein change: p.Pro264Leu; replaces proline 264 with leucine.
Molecular consequence: missense variant.
Genome position (GRCh38, 1-based): chr3:121,993,958, G>A on the plus strand (C>T on the coding strand, the complement: ILDR1 is on the minus strand). VCF-style: chr3-121993958-G-A. GRCh37 (hg19) VCF-style: chr3-121712805-G-A.
Other names: c.659C>T, p.Pro220Leu (NM_175924.4); c.524C>T, p.Pro175Leu (NM_001199800.2); short protein forms P175L, P220L, P264L.
Identifiers: ClinVar variation 2575708 (VCV002575708.1), dbSNP rs3915061, ClinGen allele CA2568825.